The following is an entry in ClinVar:

ClinVar aggregate classification (germline): Pathogenic (1 of 4 stars; one submission).

gnomAD v4.1: 1 of 1,614,072 alleles (0.000062%); highest among the groups gnomAD compares: Admixed American, 0.0017%; no homozygotes.

Submission:

Labcorp Genetics (formerly Invitae), Labcorp
Classification: Pathogenic. Last evaluated: 2024-04-25. Review status: criteria provided, single submitter. Criteria: Invitae Variant Classification Sherloc (09022015). Collection method: clinical testing. Allele origin: germline.
Comment: This sequence change creates a premature translational stop signal (p.Glu538*) in the MYH3 gene. It is expected to result in an absent or disrupted protein product. Loss-of-function variants in MYH3 are known to be pathogenic (PMID: 29805041, 30008475). This variant is present in population databases (no rsID available, gnomAD 0.1%). This variant has not been reported in the literature in individuals affected with MYH3-related conditions. For these reasons, this variant has been classified as Pathogenic.

Literature cited by the submitters: PubMed 29805041; PubMed 30008475.

NM_002470.4(MYH3):c.1612G>T (p.Glu538Ter)

Gene: MYH3 (myosin heavy chain 3; minus strand). Cytogenetic location: 17p13.1.
Variant type: single nucleotide variant.
Coding change: c.1612G>T on transcript NM_002470.4 (MANE Select); coding-DNA position 1612, G replaced by T.
Protein change: p.Glu538Ter; replaces glutamic acid 538 with a stop codon.
Molecular consequence: nonsense.
Genome position (GRCh38, 1-based): chr17:10,642,693, C>A on the plus strand (G>T on the coding strand, the complement: MYH3 is on the minus strand). VCF-style: chr17-10642693-C-A. GRCh37 (hg19) VCF-style: chr17-10546010-C-A.
Other names: short protein forms E538*.
Identifiers: ClinVar variation 3678129 (VCV003678129.2).